The following is an entry in ClinVar:

ClinVar aggregate classification (germline): Pathogenic (1 of 4 stars; one submission).

Conditions:
Hereditary cancer-predisposing syndrome. Also called: Neoplastic Syndromes, Hereditary; Hereditary Cancer Syndrome; Hereditary neoplastic syndrome; Tumor predisposition. Identifiers: Orphanet 140162, MedGen C0027672, MeSH D009386, MONDO:0015356.

Submission:

Ambry Genetics
Classification: Pathogenic for Hereditary cancer-predisposing syndrome. Last evaluated: 2023-05-31. Review status: criteria provided, single submitter. Criteria: Ambry Variant Classification Scheme 2023. Collection method: clinical testing. Allele origin: germline.
Comment: The c.3853delG pathogenic mutation, located in coding exon 10 of the BRCA2 gene, results from a deletion of one nucleotide at nucleotide position 3853, causing a translational frameshift with a predicted alternate stop codon (p.E1285Kfs*8). This alteration is expected to result in loss of function by premature protein truncation or nonsense-mediated mRNA decay. As such, this alteration is interpreted as a disease-causing mutation.

NM_000059.4(BRCA2):c.3853del (p.Glu1285fs)

Gene: BRCA2 (BRCA2 DNA repair associated; plus strand). Cytogenetic location: 13q13.1.
Variant type: Deletion.
Coding change: c.3853del on transcript NM_000059.4 (MANE Select); coding-DNA position 3853, one base deleted (G; older notation c.3853delG).
Protein change: p.Glu1285fs; shifts the reading frame from glutamic acid 1285.
Molecular consequence: frameshift variant. On other transcripts: non-coding transcript variant (1), intron variant (2).
Genome position (GRCh38, 1-based): chr13:32,338,208, G deleted. VCF-style (leftmost placement, unchanged base first): chr13-32338207-TG-T. GRCh37 (hg19) VCF-style: chr13-32912344-TG-T.
Other names: c.3853del, p.Glu1285fs (NM_001406719.1, NM_001406720.1); c.1909+4821del (NM_001406721.1); c.425-6350del (NM_001406722.1); short protein forms E1285fs.
Identifiers: ClinVar variation 2566051 (VCV002566051.2), dbSNP rs2548527064, ClinGen allele CA2580614661.